The following is an entry in ClinVar:

ClinVar aggregate classification (germline): Likely benign. Review status: criteria provided, single submitter (1 of 4 stars). 2 submissions from 2 submitters: Likely benign (1). 1 of the submissions does not count toward it. Last evaluated 2025-05-01.

Conditions:
TEX15-related disorder. Also called: TEX15-related condition.

Allele frequency attached by ClinVar (database versions not stated): gnomAD exomes 0.00028; ExAC 0.00107; gnomAD 0.00312; TOPMed 0.00367; 1000 Genomes Project 30x 0.00375; 1000 Genomes Project 0.00399.
gnomAD v4.1: 881 of 1,519,758 alleles (0.058%); highest among the groups gnomAD compares: African/African-American, 1.1%; 9 homozygotes.

Submissions (2):

CeGaT Center for Human Genetics Tuebingen
Classification: Likely benign. Last evaluated: 2025-05-01. Review status: criteria provided, single submitter. Criteria: CeGaT Center For Human Genetics Tuebingen Variant Classification Criteria Version 2. Collection method: clinical testing. Allele origin: germline. Affected: yes. Observed: 1 variant allele.
Comment: TEX15: BS1

PreventionGenetics, part of Exact Sciences
Classification: Likely benign for TEX15-related condition. Last evaluated: 2024-05-15. Review status: no assertion criteria provided. Collection method: clinical testing. Allele origin: germline. Not counted in ClinVar's aggregate classification.
Comment: This variant is classified as likely benign based on ACMG/AMP sequence variant interpretation guidelines (Richards et al. 2015 PMID: 25741868, with internal and published modifications).

NM_001350162.2(TEX15):c.614A>C (p.Asn205Thr)

Gene: TEX15 (testis expressed 15, meiosis and synapsis associated; minus strand). Cytogenetic location: 8p12.
Variant type: single nucleotide variant.
Coding change: c.614A>C on transcript NM_001350162.2 (MANE Select); coding-DNA position 614, A replaced by C.
Protein change: p.Asn205Thr; replaces asparagine 205 with threonine.
Molecular consequence: missense variant. On other transcripts: non-coding transcript variant (1).
Genome position (GRCh38, 1-based): chr8:30,859,984, T>G on the plus strand (A>C on the coding strand, the complement: TEX15 is on the minus strand). VCF-style: chr8-30859984-T-G. GRCh37 (hg19) VCF-style: chr8-30717500-T-G.
Other names: short protein forms N205T.
Identifiers: ClinVar variation 3040149 (VCV003040149.12), dbSNP rs77311674, ClinGen allele CA4703722.